The following is an entry in ClinVar:

ClinVar aggregate classification (germline): Uncertain significance (1 of 4 stars; one submission).

Conditions:
Zellweger spectrum disorders (ZS). Also called: Zellweger Spectrum Disorder (ZSD); Zellweger syndrome; Zellweger Spectrum Disorder; Zellweger Spectrum. Identifiers: Orphanet 912, MedGen C0043459, MONDO:0019609.

Submission:

Labcorp Genetics (formerly Invitae), Labcorp
Classification: Uncertain significance for Zellweger spectrum disorders. Last evaluated: 2021-09-01. Review status: criteria provided, single submitter. Criteria: Invitae Variant Classification Sherloc (09022015). Collection method: clinical testing. Allele origin: germline.
Comment: This sequence change replaces alanine with valine at codon 397 of the PEX1 protein (p.Ala397Val). The alanine residue is weakly conserved and there is a small physicochemical difference between alanine and valine. This variant is not present in population databases (ExAC no frequency). This variant has not been reported in the literature in individuals affected with PEX1-related conditions. Algorithms developed to predict the effect of missense changes on protein structure and function (SIFT, PolyPhen-2, Align-GVGD) all suggest that this variant is likely to be tolerated. In summary, the available evidence is currently insufficient to determine the role of this variant in disease. Therefore, it has been classified as a Variant of Uncertain Significance.

NM_000466.3(PEX1):c.1190C>T (p.Ala397Val)

Gene: PEX1 (peroxisomal biogenesis factor 1; minus strand). Cytogenetic location: 7q21.2.
Variant type: single nucleotide variant.
Coding change: c.1190C>T on transcript NM_000466.3 (MANE Select); coding-DNA position 1190, C replaced by T.
Protein change: p.Ala397Val; replaces alanine 397 with valine.
Molecular consequence: missense variant.
Genome position (GRCh38, 1-based): chr7:92,517,325, G>A on the plus strand (C>T on the coding strand, the complement: PEX1 is on the minus strand). VCF-style: chr7-92517325-G-A. GRCh37 (hg19) VCF-style: chr7-92146639-G-A.
Other names: c.1190C>T, p.Ala397Val (NM_001282677.2); c.566C>T, p.Ala189Val (NM_001282678.2); short protein forms A189V, A397V.
Identifiers: ClinVar variation 1363558 (VCV001363558.5), dbSNP rs2116242607, ClinGen allele CA368197338.